The following is an entry in ClinVar:

ClinVar aggregate classification (germline): Uncertain significance. Review status: criteria provided, multiple submitters, no conflicts (2 of 4 stars). 2 submissions from 2 submitters: Uncertain significance (2). Last evaluated 2025-08-29.

Conditions:
Familial thoracic aortic aneurysm and aortic dissection (TAAD). Also called: Thoracic aortic aneurysms and dissections. Identifiers: Orphanet 91387, MedGen C4707243, MONDO:0019625.

Submissions (2):

Ambry Genetics
Classification: Uncertain significance for Familial thoracic aortic aneurysm and aortic dissection. Last evaluated: 2025-08-29. Review status: criteria provided, single submitter. Criteria: Ambry Variant Classification Scheme 2023. Collection method: clinical testing. Allele origin: germline.

All of Us Research Program, National Institutes of Health
Classification: Uncertain significance for Familial thoracic aortic aneurysm and aortic dissection. Last evaluated: 2024-05-09. Review status: criteria provided, single submitter. Criteria: ACMG Guidelines, 2015. Collection method: clinical testing. Allele origin: germline. Inheritance: Autosomal dominant inheritance. Observed: 1 variant allele, 1 heterozygote.
Comment: This study involves interpretation of variants in research participants for the purpose of population health screening. Participant phenotype was not available at the time of variant classification. Additional details can be found in publication PMID: 35346344, PMCID: PMC8962531

NM_002474.3(MYH11):c.1834G>T (p.Asp612Tyr)

Gene: MYH11 (myosin heavy chain 11; minus strand). Cytogenetic location: 16p13.11.
Variant type: single nucleotide variant.
Coding change: c.1834G>T on transcript NM_002474.3 (MANE Select); coding-DNA position 1834, G replaced by T.
Protein change: p.Asp612Tyr; replaces aspartic acid 612 with tyrosine.
Molecular consequence: missense variant.
Genome position (GRCh38, 1-based): chr16:15,753,424, C>A on the plus strand (G>T on the coding strand, the complement: MYH11 is on the minus strand). VCF-style: chr16-15753424-C-A. GRCh37 (hg19) VCF-style: chr16-15847281-C-A.
Other names: c.1855G>T, p.Asp619Tyr (NM_001040113.2, NM_001040114.2); c.1834G>T, p.Asp612Tyr (NM_022844.3); c.1834G>T (NM_002474.2); short protein forms D612Y, D619Y.
Identifiers: ClinVar variation 3387228 (VCV003387228.2).
Genomic context (GRCh38, chr16:15,753,424, plus strand): 5'-GAACATGGACCCGAGCAGAGAAGGCCTTACCGTCCTTCCACAGGTCGGCCACAAACTTGT[C>A]GGAGGAGGCATTGAGCAGGGAAGTCACGTTGTCATTCAGCGGGTCCATATTCTTGGTCAG-3'
Protein context (NP_002465.1, residues 602-622): NVTSLLNASS[Asp612Tyr]KFVADLWKDV